The following is an entry in ClinVar:

NM_001197104.2(KMT2A):c.10468G>A (p.Val3490Ile)

Gene: KMT2A (lysine methyltransferase 2A; plus strand). Cytogenetic location: 11q23.3.
Variant type: single nucleotide variant.
Coding change: c.10468G>A on transcript NM_001197104.2 (MANE Select); coding-DNA position 10468, G replaced by A.
Protein change: p.Val3490Ile; replaces valine 3490 with isoleucine.
Molecular consequence: missense variant.
Genome position (GRCh38, 1-based): chr11:118,506,360, G>A. VCF-style: chr11-118506360-G-A. GRCh37 (hg19) VCF-style: chr11-118377075-G-A.
Other names: c.10558G>A, p.Val3520Ile (NM_001412597.1); c.10459G>A, p.Val3487Ile (NM_005933.4); short protein forms V3490I, V3487I, V3520I.
Identifiers: ClinVar variation 2744100 (VCV002744100.4), dbSNP rs1950583041, ClinGen allele CA382825912.

ClinVar aggregate classification (germline): Uncertain significance. Review status: criteria provided, multiple submitters, no conflicts (2 of 4 stars). 2 submissions from 2 submitters: Uncertain significance (2). Last evaluated 2025-06-11.

Allele frequency attached by ClinVar (database versions not stated): TOPMed 0.00001; gnomAD 0.00001.
gnomAD v4.1: 1 of 1,614,018 alleles (0.000062%); highest among the groups gnomAD compares: African/African-American, 0.0013%; no homozygotes.

Submissions (2):

Labcorp Genetics (formerly Invitae), Labcorp
Classification: Uncertain significance. Last evaluated: 2025-06-11. Review status: criteria provided, single submitter. Criteria: Invitae Variant Classification Sherloc (09022015). Collection method: clinical testing. Allele origin: germline.
Comment: This sequence change replaces valine, which is neutral and non-polar, with isoleucine, which is neutral and non-polar, at codon 3490 of the KMT2A protein (p.Val3490Ile). This variant is not present in population databases (gnomAD no frequency). This variant has not been reported in the literature in individuals affected with KMT2A-related conditions. ClinVar contains an entry for this variant (Variation ID: 2744100). Invitae Evidence Modeling of protein sequence and biophysical properties (such as structural, functional, and spatial information, amino acid conservation, physicochemical variation, residue mobility, and thermodynamic stability) indicates that this missense variant is not expected to disrupt KMT2A protein function with a negative predictive value of 95%. In summary, the available evidence is currently insufficient to determine the role of this variant in disease. Therefore, it has been classified as a Variant of Uncertain Significance.

GeneDx
Classification: Uncertain significance. Last evaluated: 2025-04-14. Review status: criteria provided, single submitter. Criteria: GeneDx Variant Classification Process June 2021. Collection method: clinical testing. Allele origin: germline. Affected: yes.
Comment: Not observed at significant frequency in large population cohorts (gnomAD); In silico analysis indicates that this missense variant does not alter protein structure/function; Has not been previously published as pathogenic or benign to our knowledge